The following is an entry in ClinVar:

ClinVar aggregate classification (germline): Uncertain significance. Review status: criteria provided, multiple submitters, no conflicts (2 of 4 stars). 6 submissions from 6 submitters: Uncertain significance (6). Last evaluated 2025-07-31.

Conditions:
Inborn genetic diseases. Identifiers: MedGen C0950123, MeSH D030342.
Colorectal cancer. Also called: Colorectal cancer, somatic; Malignant Colorectal Neoplasm. Identifiers: MedGen C0346629, MONDO:0005575, OMIM 114500.
Premature chromatid separation trait (PCS). Also called: TOTAL PREMATURE CHROMATID SEPARATION TRAIT. Identifiers: MedGen C1864389, MONDO:0008304, OMIM 176430.
Mosaic variegated aneuploidy syndrome 1 (MVA1). Also called: Warburton-Anyane-Yeboa syndrome. Identifiers: Orphanet 1052, MedGen C1850343, MONDO:0009759, OMIM 257300.

Allele frequency attached by ClinVar (database versions not stated): gnomAD exomes 0.00003 and 0.00005; ExAC 0.00006; TOPMed 0.00026; gnomAD 0.00029; ESP Exome Variant Server 0.00038.
gnomAD v4.1: 88 of 1,614,174 alleles (0.0055%); highest among the groups gnomAD compares: African/African-American, 0.1%; no homozygotes.

Submissions (6):

Labcorp Genetics (formerly Invitae), Labcorp
Classification: Uncertain significance for Mosaic variegated aneuploidy syndrome 1. Last evaluated: 2025-07-31. Review status: criteria provided, single submitter. Criteria: Invitae Variant Classification Sherloc (09022015). Collection method: clinical testing. Allele origin: germline.
Comment: This sequence change replaces threonine, which is neutral and polar, with isoleucine, which is neutral and non-polar, at codon 648 of the BUB1B protein (p.Thr648Ile). This variant is present in population databases (rs148348158, gnomAD 0.07%). This variant has not been reported in the literature in individuals affected with BUB1B-related conditions. ClinVar contains an entry for this variant (Variation ID: 578374). An algorithm developed to predict the effect of missense changes on protein structure and function outputs the following: PolyPhen-2: "Benign". The isoleucine amino acid residue is found in multiple mammalian species, which suggests that this missense change does not adversely affect protein function. In summary, the available evidence is currently insufficient to determine the role of this variant in disease. Therefore, it has been classified as a Variant of Uncertain Significance.

Molecular Pathology, Peter Maccallum Cancer Centre
Classification: Uncertain significance for Mosaic variegated aneuploidy syndrome 1. Last evaluated: 2024-11-21. Review status: criteria provided, single submitter. Criteria: ACMG Guidelines, 2015. Collection method: clinical testing. Allele origin: germline. Inheritance: Autosomal recessive inheritance.

Fulgent Genetics
Classification: Uncertain significance for Colorectal cancer; Premature chromatid separation trait; Mosaic variegated aneuploidy syndrome 1. Last evaluated: 2024-02-02. Review status: criteria provided, single submitter. Criteria: ACMG Guidelines, 2015. Collection method: clinical testing. Allele origin: germline.

Ambry Genetics
Classification: Uncertain significance for Inborn genetic diseases. Last evaluated: 2021-07-28. Review status: criteria provided, single submitter. Criteria: Ambry Variant Classification Scheme 2023. Collection method: clinical testing. Allele origin: germline.

Baylor Genetics
Classification: Uncertain significance for Mosaic variegated aneuploidy syndrome 1. Last evaluated: 2019-11-20. Review status: criteria provided, single submitter. Criteria: ACMG Guidelines, 2015. Collection method: clinical testing. Allele origin: unknown. Affected: yes.
Comment: This variant was determined to be of uncertain significance according to ACMG Guidelines, 2015 [PMID:25741868].

Breakthrough Genomics
Classification: Uncertain significance. Review status: criteria provided, single submitter. Criteria: ACMG Guidelines, 2015. Collection method: not provided. Allele origin: germline. Inheritance: Autosomal recessive inheritance. Affected: yes.

NM_001211.6(BUB1B):c.1943C>T (p.Thr648Ile)

Gene: BUB1B (BUB1 mitotic checkpoint serine/threonine kinase B; plus strand). Cytogenetic location: 15q15.1.
Variant type: single nucleotide variant.
Coding change: c.1943C>T on transcript NM_001211.6 (MANE Select); coding-DNA position 1943, C replaced by T.
Protein change: p.Thr648Ile; replaces threonine 648 with isoleucine.
Molecular consequence: missense variant.
Genome position (GRCh38, 1-based): chr15:40,206,392, C>T. VCF-style: chr15-40206392-C-T. GRCh37 (hg19) VCF-style: chr15-40498593-C-T.
Other names: short protein forms T648I.
Identifiers: ClinVar variation 578374 (VCV000578374.16), dbSNP rs148348158, ClinGen allele CA7475905.